The following is an entry in ClinVar:

NM_004082.5(DCTN1):c.1668_1673del (p.Ile557_Lys558del)

Gene: DCTN1 (dynactin subunit 1; minus strand). Cytogenetic location: 2p13.1.
Variant type: Deletion.
Coding change: c.1668_1673del on transcript NM_004082.5 (MANE Select); coding-DNA positions 1668 to 1673, 6 bases deleted (AATCAA; older notation c.1668_1673delAATCAA).
Protein change: p.Ile557_Lys558del.
Molecular consequence: inframe deletion. On other transcripts: non-coding transcript variant (1).
Genome position (GRCh38, 1-based): chr2:74,369,126-74,369,131, TTGATT deleted on the plus strand (AATCAA on the coding strand, the reverse complement: DCTN1 is on the minus strand); deleting any 6 consecutive bases within chr2:74,369,126-74,369,135 gives the same sequence; the c. name uses the placement nearest the transcript's 3' end. VCF-style (leftmost placement, unchanged base first): chr2-74369125-CTTGATT-C. GRCh37 (hg19) VCF-style: chr2-74596252-CTTGATT-C.
Other names: c.1608_1613del, p.Ile537_Lys538del (NM_001135040.3); c.1266_1271del, p.Ile423_Lys424del (NM_001135041.3, NM_023019.4); c.1557_1562del, p.Ile520_Lys521del (NM_001190836.2); c.1647_1652del, p.Ile550_Lys551del (NM_001190837.2); c.1617_1622del, p.Ile540_Lys541del (NM_001378991.1); c.1599_1604del, p.Ile534_Lys535del (NM_001378992.1).
Identifiers: ClinVar variation 3758820 (VCV003758820.2).

ClinVar aggregate classification (germline): Uncertain significance (1 of 4 stars; one submission).

Conditions:
Amyotrophic lateral sclerosis type 1 (ALS1). Also called: AMYOTROPHIC LATERAL SCLEROSIS 1, FAMILIAL. Identifiers: Orphanet 803, MedGen C1862939, MONDO:0007103, OMIM 105400.
Neuronopathy, distal hereditary motor, type 7B. Also called: HMN VIIB; LOWER MOTOR NEURON DISEASE, DYNACTIN TYPE; NEURONOPATHY, DISTAL HEREDITARY MOTOR, AUTOSOMAL DOMINANT 14; NEURONOPATHY, DISTAL HEREDITARY MOTOR, HARDING TYPE VIIB; NEUROPATHY, DISTAL HEREDITARY MOTOR, HARDING TYPE VIIB; NEUROPATHY, DISTAL HEREDITARY MOTOR, WITH VOCAL CORD PARALYSIS, HARDING TYPE VIIB. Identifiers: Orphanet 139589, MedGen C1843315, MONDO:0011879, OMIM 607641.
Perry syndrome. Also called: PARKINSONISM WITH ALVEOLAR HYPOVENTILATION AND MENTAL DEPRESSION. Identifiers: Orphanet 178509, MedGen C1868594, MONDO:0008201, OMIM 168605.

Submission:

Labcorp Genetics (formerly Invitae), Labcorp
Classification: Uncertain significance for Amyotrophic lateral sclerosis type 1; Neuronopathy, distal hereditary motor, type 7B; Perry syndrome. Last evaluated: 2024-09-14. Review status: criteria provided, single submitter. Criteria: Invitae Variant Classification Sherloc (09022015). Collection method: clinical testing. Allele origin: germline.
Comment: This variant, c.1668_1673del, results in the deletion of 2 amino acid(s) of the DCTN1 protein (p.Ile557_Lys558del), but otherwise preserves the integrity of the reading frame. This variant is not present in population databases (gnomAD no frequency). This variant has not been reported in the literature in individuals affected with DCTN1-related conditions. Experimental studies and prediction algorithms are not available or were not evaluated, and the functional significance of this variant is currently unknown. In summary, the available evidence is currently insufficient to determine the role of this variant in disease. Therefore, it has been classified as a Variant of Uncertain Significance.